The following continues an entry in ClinVar:

NM_000051.4(ATM):c.3802del (p.Glu1267_Val1268insTer)

Gene: ATM. ClinVar aggregate classification (germline): Pathogenic. Pathogenic (1).

Submissions 36 to 44 of 44:

Women's Health and Genetics/Laboratory Corporation of America, LabCorp
Classification: Pathogenic for Ataxia-telangiectasia syndrome. Last evaluated: 2018-07-03. Review status: criteria provided, single submitter. Criteria: LabCorp Variant Classification Summary - May 2015. Collection method: clinical testing. Allele origin: germline. Not counted in ClinVar's aggregate classification.
Comment: Variant summary: ATM c.3802delG (p.Val1268X) results in a premature termination codon, predicted to cause a truncation of the encoded protein or absence of the protein due to nonsense mediated decay, which are commonly known mechanisms for disease. Truncations downstream of this position have been classified as pathogenic by our laboratory (e.g., p.Arg1466X and p.Ser1905fsX25). The variant allele was found at a frequency of 4e-05 in 276948 control chromosomes (gnomAD). This frequency is not higher than expected for a pathogenic variant in ATM causing Ataxia-Telangiectasia (4e-05 vs 0.004), allowing no conclusion about variant significance. c.3802delG has been reported in the literature in multiple individuals affected with Ataxia-Telangiectasia as both a homozygous and compound heterozygous allele, indicating the variant is very likely to be associated with disease. At least one publication reports functional data indicating the variant significantly impairs protein expression and kinase activity in patient cells (Carranza_2017). Five clinical diagnostic laboratories have submitted clinical-significance assessments for this variant to ClinVar after 2014 and all classified the variant as pathogenic. Based on the evidence outlined above, the variant was classified as pathogenic.

Mendelics
Classification: Pathogenic for Ataxia-telangiectasia syndrome. Last evaluated: 2018-07-02. Review status: criteria provided, single submitter. Criteria: Mendelics Assertion Criteria 2017. Collection method: clinical testing. Allele origin: unknown. Not counted in ClinVar's aggregate classification.

Athena Diagnostics
Classification: Pathogenic. Last evaluated: 2016-01-20. Review status: criteria provided, single submitter. Criteria: Athena Diagnostics Criteria. Collection method: clinical testing. Allele origin: germline. Not counted in ClinVar's aggregate classification.

Medical Genetics Laboratory, Umraniye Training and Research Hospital, University of Health Sciences
Classification: Pathogenic for Breast carcinoma. Last evaluated: 2021-08-19. Review status: no assertion criteria provided. Collection method: clinical testing. Allele origin: germline. Affected: yes. Observed: 1 variant allele, 1 heterozygote. Not counted in ClinVar's aggregate classification.
Comment: Invasive Ductal Carcinoma Estrogen Receptor: Positive Progesterone Receptor: Positive HER2 Receptor: Positive

Counsyl
Classification: Pathogenic for Ataxia-telangiectasia syndrome. Last evaluated: 2016-03-18. Review status: no assertion criteria provided. Collection method: clinical testing. Allele origin: unknown. Not counted in ClinVar's aggregate classification.

Clinical Genetics Laboratory, Department of Pathology, Netherlands Cancer Institute
Classification: Pathogenic. Review status: no assertion criteria provided. Collection method: clinical testing. Allele origin: germline. Affected: yes. Study: VKGL Data-share Consensus. Not counted in ClinVar's aggregate classification.

Department of Pathology and Laboratory Medicine, Sinai Health System
Classification: Pathogenic for Familial pancreatic carcinoma. Review status: no assertion criteria provided. Collection method: clinical testing. Allele origin: unknown. Affected: yes. Study: The Canadian Open Genetics Repository (COGR). Not counted in ClinVar's aggregate classification.
Comment: The ATM p.Val1268X variant was identified in 9 of 8368 proband chromosomes (frequency: 0.001) from Spanish, British, Australian and North American individuals or families with BRCA1/2 negative breast cancer, metastatic prostate cancer, or pancreatic cancer and was not identified in 2972 control chromosomes from healthy individuals (Brunet 2008 PMID:18384426, Goldgar 2011 PMID:21787400, Grana 2011 PMID:21445571, Pritchard 2016 PMID:27433846, Renwick 2006 PMID:16832357, Roberts 2012 PMID:22585167). The variant was also identified in dbSNP (ID: rs765158119, currently merged with rs587779834) â€šÃ„ÃºWith Pathogenic alleleâ€šÃ„Ã¹, ClinVar (classified pathogenic by GeneDx, Ambry Genetics, Invitae, Counsyl and Color Genomics Inc.), Clinvitae (3x), Cosmic (1x in lymphoid neoplasm), LOVD 3.0 (1x in lymphoid neoplasm), and was not identified in GeneInsight-COGR, MutDB, the 1000 Genomes Project, the NHLBI GO Exome Sequencing Project, the Exome Aggregation Consortium (August 8th 2016), or the Genome Aggregation Database (Feb 27, 2017). The c.3802delG variant leads to a premature stop codon at position 1268 which is predicted to lead to a truncated or absent protein and loss of function. Loss of function variants of the ATM gene are an established mechanism of disease in ATM-associated cancer and is the type of variant expected to cause the disorder. In summary, based on the above information this variant meets our laboratoryâ€šÃ„Ã´s criteria to be classified as pathogenic.

Genome Diagnostics Laboratory, University Medical Center Utrecht
Classification: Pathogenic. Review status: no assertion criteria provided. Collection method: clinical testing. Allele origin: germline. Affected: yes. Study: VKGL Data-share Consensus. Not counted in ClinVar's aggregate classification.

Genomics England Pilot Project, Genomics England
Classification: Likely pathogenic for Familial cancer of breast. Review status: no assertion criteria provided. Criteria: ACGS Guidelines, 2016. Collection method: clinical testing. Allele origin: germline. Affected: yes. Not counted in ClinVar's aggregate classification.

Literature cited by the submitters: PubMed 23807571 (cited by Labcorp Genetics (formerly Invitae), Labcorp and GeneKor MSA); PubMed 25614872 (cited by 6 submitters); PubMed 8755918 (cited by 10 submitters); PubMed 9887333 (cited by 9 submitters); PubMed 10330348 (cited by 5 submitters); PubMed 10864201 (cited by 5 submitters); PubMed 11606401 (cited by 3 submitters); PubMed 12815592 (cited by 4 submitters); PubMed 16832357 (cited by 3 submitters); PubMed 18384426 (cited by 4 submitters); PubMed 21787400 (cited by 6 submitters); PubMed 23585524 (cited by Labcorp Genetics (formerly Invitae), Labcorp and GeneKor MSA); PubMed 25077176 (cited by 6 submitters); PubMed 9463314 (cited by 3 submitters); PubMed 22585167 (cited by 5 submitters); PubMed 21445571 (cited by Color Diagnostics, LLC DBA Color Health and Ambry Genetics); PubMed 21965147 (cited by 5 submitters); PubMed 27433846 (cited by 3 submitters); PubMed 27664052 (cited by 6 submitters); PubMed 33436325 (cited by 3 submitters); PubMed 34337741 (cited by Color Diagnostics, LLC DBA Color Health); PubMed 35078243 (cited by Color Diagnostics, LLC DBA Color Health); PubMed 30257646 (cited by Dasa); PubMed 27484032 (cited by Ambry Genetics and Quest Diagnostics Nichols Institute San Juan Capistrano); PubMed 28652578 (cited by Ambry Genetics and Quest Diagnostics Nichols Institute San Juan Capistrano); PubMed 33758026 (cited by Center for Genomic Medicine, Rigshospitalet, Copenhagen University Hospital); PubMed 21792198 (cited by Center for Genomic Medicine, Rigshospitalet, Copenhagen University Hospital); PubMed 26182300 (cited by Quest Diagnostics Nichols Institute San Juan Capistrano); PubMed 26689913 (cited by Quest Diagnostics Nichols Institute San Juan Capistrano); PubMed 26896183 (cited by Quest Diagnostics Nichols Institute San Juan Capistrano); PubMed 28779002 (cited by Quest Diagnostics Nichols Institute San Juan Capistrano and Illumina Laboratory Services, Illumina); PubMed 29478780 (cited by Quest Diagnostics Nichols Institute San Juan Capistrano); PubMed 29625052 (cited by Quest Diagnostics Nichols Institute San Juan Capistrano); PubMed 29915322 (cited by Quest Diagnostics Nichols Institute San Juan Capistrano); PubMed 29961768 (cited by Quest Diagnostics Nichols Institute San Juan Capistrano); PubMed 30303537 (cited by Quest Diagnostics Nichols Institute San Juan Capistrano); PubMed 30306255 (cited by Quest Diagnostics Nichols Institute San Juan Capistrano); PubMed 30772474 (cited by Quest Diagnostics Nichols Institute San Juan Capistrano); PubMed 31589614 (cited by Quest Diagnostics Nichols Institute San Juan Capistrano); PubMed 32338768 (cited by Quest Diagnostics Nichols Institute San Juan Capistrano); PubMed 32853339 (cited by Quest Diagnostics Nichols Institute San Juan Capistrano); PubMed 33280026 (cited by Quest Diagnostics Nichols Institute San Juan Capistrano); PubMed 29922827 (cited by Illumina Laboratory Services, Illumina); PubMed 20301790 (cited by Victorian Clinical Genetics Services, Murdoch Childrens Research Institute); PubMed 27884168 (cited by Victorian Clinical Genetics Services, Murdoch Childrens Research Institute); PubMed 21665257 (cited by Spanish ATM Cancer Susceptibility Variant Interpretation Working Group and Women's Health and Genetics/Laboratory Corporation of America, LabCorp); PubMed 19691550 (cited by Women's Health and Genetics/Laboratory Corporation of America, LabCorp); PubMed 17124347 (cited by Athena Diagnostics); PubMed 15039971 (cited by Counsyl).